The following is an entry in ClinVar:

NM_024753.5(TTC21B):c.932C>T (p.Thr311Met)

Gene: TTC21B (tetratricopeptide repeat domain 21B; minus strand). Cytogenetic location: 2q24.3.
Variant type: single nucleotide variant.
Coding change: c.932C>T on transcript NM_024753.5 (MANE Select); coding-DNA position 932, C replaced by T.
Protein change: p.Thr311Met; replaces threonine 311 with methionine.
Molecular consequence: missense variant.
Genome position (GRCh38, 1-based): chr2:165,930,327, G>A on the plus strand (C>T on the coding strand, the complement: TTC21B is on the minus strand). VCF-style: chr2-165930327-G-A. GRCh37 (hg19) VCF-style: chr2-166786837-G-A.
Other names: c.932C>T (NM_024753.4); short protein forms T311M.
Identifiers: ClinVar variation 2168140 (VCV002168140.3), dbSNP rs1440923224, ClinGen allele CA349066932.

ClinVar aggregate classification (germline): Uncertain significance. Review status: criteria provided, multiple submitters, no conflicts (2 of 4 stars). 3 submissions from 3 submitters: Uncertain significance (3). Last evaluated 2025-07-01.

Conditions:
TTC21B-related disorder. Also called: TTC21B-related condition; TTC21B-related disorders.
Jeune thoracic dystrophy. Also called: Short-rib thoracic dysplasia; Jeune syndrome; Infantile thoracic dystrophy; Thoracic pelvic phalangeal dystrophy; Jeune's syndrome; Chondroectodermal dysplasia-like syndrome. Identifiers: Orphanet 474, MedGen C0265275, MONDO:0018770.
Nephronophthisis. Also called: Juvenile Nephronophthisis. Identifiers: Orphanet 655, MedGen C0687120, MONDO:0019005, HP:0000090.
Nephronophthisis 12 (NPHP12). Identifiers: Orphanet 655, MedGen C3151186, MONDO:0013442, OMIM 613820.
Asphyxiating thoracic dystrophy 4 (SRTD4). Also called: SHORT-RIB THORACIC DYSPLASIA 4 WITH OR WITHOUT POLYDACTYLY; SHORT-RIB THORACIC DYSPLASIA 4. Identifiers: Orphanet 474, MedGen C3151185, MONDO:0013441, OMIM 613819.

Allele frequency attached by ClinVar (database versions not stated): gnomAD exomes 0.00001; TOPMed 0.00001.
gnomAD v4.1: 10 of 1,612,060 alleles (0.00062%); highest among the groups gnomAD compares: South Asian, 0.0044%; no homozygotes.

Submissions (3):

PreventionGenetics, part of Exact Sciences
Classification: Uncertain significance for TTC21B-related condition. Last evaluated: 2025-07-01. Review status: criteria provided, single submitter. Criteria: ACMG Guidelines, 2015. Collection method: clinical testing. Allele origin: germline.
Comment: The TTC21B c.932C>T variant is predicted to result in the amino acid substitution p.Thr311Met. To our knowledge, this variant has not been reported in the literature. This variant is reported in 0.0033% of alleles in individuals of South Asian descent in gnomAD. At this time, the clinical significance of this variant is uncertain due to the absence of conclusive functional and genetic evidence.

Fulgent Genetics
Classification: Uncertain significance for Asphyxiating thoracic dystrophy 4; Nephronophthisis 12. Last evaluated: 2024-06-03. Review status: criteria provided, single submitter. Criteria: ACMG Guidelines, 2015. Collection method: clinical testing. Allele origin: germline.

Labcorp Genetics (formerly Invitae), Labcorp
Classification: Uncertain significance for Jeune thoracic dystrophy; Nephronophthisis. Last evaluated: 2022-03-27. Review status: criteria provided, single submitter. Criteria: Invitae Variant Classification Sherloc (09022015). Collection method: clinical testing. Allele origin: germline.
Comment: This sequence change replaces threonine, which is neutral and polar, with methionine, which is neutral and non-polar, at codon 311 of the TTC21B protein (p.Thr311Met). This variant is present in population databases (no rsID available, gnomAD 0.003%). This variant has not been reported in the literature in individuals affected with TTC21B-related conditions. Algorithms developed to predict the effect of missense changes on protein structure and function output the following: SIFT: "Deleterious"; PolyPhen-2: "Benign"; Align-GVGD: "Class C0". The methionine amino acid residue is found in multiple mammalian species, which suggests that this missense change does not adversely affect protein function. In summary, the available evidence is currently insufficient to determine the role of this variant in disease. Therefore, it has been classified as a Variant of Uncertain Significance.